The following is an entry in ClinVar:

NM_001127222.2(CACNA1A):c.1951G>A (p.Asp651Asn)

Gene: CACNA1A (calcium voltage-gated channel subunit alpha1 A; minus strand). Cytogenetic location: 19p13.13.
Variant type: single nucleotide variant.
Coding change: c.1951G>A on transcript NM_001127222.2 (MANE Select); coding-DNA position 1951, G replaced by A.
Protein change: p.Asp651Asn; replaces aspartic acid 651 with asparagine.
Molecular consequence: missense variant.
Genome position (GRCh38, 1-based): chr19:13,307,817, C>T on the plus strand (G>A on the coding strand, the complement: CACNA1A is on the minus strand). VCF-style: chr19-13307817-C-T. GRCh37 (hg19) VCF-style: chr19-13418631-C-T.
Other names: c.1954G>A, p.Asp652Asn (NM_000068.4, NM_001127221.2, NM_001174080.2 and 1 more transcripts); short protein forms D651N, D652N.
Identifiers: ClinVar variation 2419162 (VCV002419162.9), dbSNP rs1244229103, ClinGen allele CA404344611.

ClinVar aggregate classification (germline): Uncertain significance. Review status: criteria provided, multiple submitters, no conflicts (2 of 4 stars). 2 submissions from 2 submitters: Uncertain significance (2). Last evaluated 2023-05-29.

Conditions:
Episodic ataxia type 2 (EA2). Also called: ATAXIA, EPISODIC, WITH NYSTAGMUS; ATAXIA, FAMILIAL PAROXYSMAL; CEREBELLAR ATAXIA, PAROXYSMAL, ACETAZOLAMIDE-RESPONSIVE; CEREBELLOPATHY, HEREDITARY PAROXYSMAL; EPISODIC ATAXIA, NYSTAGMUS-ASSOCIATED; ACETAZOLAMIDE-RESPONSIVE HEREDITARY PAROXYSMAL CEREBELLAR ATAXIA. Identifiers: Orphanet 97, MedGen C1720416, MONDO:0007163, OMIM 108500.
Developmental and epileptic encephalopathy, 42 (DEE42A). Also called: Epileptic encephalopathy, early infantile, 42; DEVELOPMENTAL AND EPILEPTIC ENCEPHALOPATHY 42A; EPILEPTIC ENCEPHALOPATHY, EARLY INFANTILE, 42A. Identifiers: MedGen C4310716, MONDO:0014917, OMIM 617106.

Allele frequency attached by ClinVar (database versions not stated): gnomAD exomes below 0.00001; gnomAD 0.00001.
gnomAD v4.1: 3 of 1,613,858 alleles (0.00019%); highest among the groups gnomAD compares: East Asian, 0.0022%; no homozygotes.

Submissions (2):

Blueprint Genetics
Classification: Uncertain significance. Last evaluated: 2023-05-29. Review status: criteria provided, single submitter. Criteria: ACMG Guidelines, 2015. Collection method: clinical testing. Allele origin: germline.

Labcorp Genetics (formerly Invitae), Labcorp
Classification: Uncertain significance for Developmental and epileptic encephalopathy, 42; Episodic ataxia type 2. Last evaluated: 2022-10-12. Review status: criteria provided, single submitter. Criteria: Invitae Variant Classification Sherloc (09022015). Collection method: clinical testing. Allele origin: germline.
Comment: In summary, the available evidence is currently insufficient to determine the role of this variant in disease. Therefore, it has been classified as a Variant of Uncertain Significance. Advanced modeling of protein sequence and biophysical properties (such as structural, functional, and spatial information, amino acid conservation, physicochemical variation, residue mobility, and thermodynamic stability) performed at Invitae indicates that this missense variant is expected to disrupt CACNA1A protein function. This missense change has been observed in individual(s) with clinical features of CACNA1A-related conditions (PMID: 30301590). The frequency data for this variant in the population databases is considered unreliable, as metrics indicate poor data quality at this position in the gnomAD database. This sequence change replaces aspartic acid, which is acidic and polar, with asparagine, which is neutral and polar, at codon 652 of the CACNA1A protein (p.Asp652Asn).

Literature cited by the submitters: PubMed 30301590 (cited by Labcorp Genetics (formerly Invitae), Labcorp).